The following is an entry in ClinVar:

ClinVar aggregate classification (germline): Uncertain significance. Review status: criteria provided, multiple submitters, no conflicts (2 of 4 stars). 2 submissions from 2 submitters: Uncertain significance (2). Last evaluated 2021-08-27.

Conditions:
Hyperphosphatasia with impaired intellectual development syndrome 1. Also called: MABRY SYNDROME; GLYCOSYLPHOSPHATIDYLINOSITOL BIOSYNTHESIS DEFECT 2; Hyperphosphatasia with intellectual disability syndrome 1. Identifiers: Orphanet 247262, MedGen C4551502, MONDO:0009398, OMIM 239300.

Allele frequency attached by ClinVar (database versions not stated): gnomAD exomes below 0.00001; TOPMed 0.00001.

Submissions (2):

Labcorp Genetics (formerly Invitae), Labcorp
Classification: Uncertain significance. Last evaluated: 2021-08-27. Review status: criteria provided, single submitter. Criteria: Invitae Variant Classification Sherloc (09022015). Collection method: clinical testing. Allele origin: germline.
Comment: This sequence change replaces threonine with alanine at codon 493 of the PIGV protein (p.Thr493Ala). The threonine residue is highly conserved and there is a small physicochemical difference between threonine and alanine. This variant is not present in population databases (ExAC no frequency). This variant has not been reported in the literature in individuals affected with PIGV-related conditions. ClinVar contains an entry for this variant (Variation ID: 297123). Algorithms developed to predict the effect of missense changes on protein structure and function are either unavailable or do not agree on the potential impact of this missense change (SIFT: "Tolerated"; PolyPhen-2: "Probably Damaging"; Align-GVGD: "Class C0"). In summary, the available evidence is currently insufficient to determine the role of this variant in disease. Therefore, it has been classified as a Variant of Uncertain Significance.

Illumina Laboratory Services, Illumina
Classification: Uncertain significance for Hyperphosphatasia with impaired intellectual development syndrome 1. Last evaluated: 2018-01-13. Review status: criteria provided, single submitter. Criteria: ICSL Variant Classification Criteria 13 December 2019. Collection method: clinical testing. Allele origin: germline.

NM_017837.4(PIGV):c.1477A>G (p.Thr493Ala)

Gene: PIGV (phosphatidylinositol glycan anchor biosynthesis class V; plus strand). Cytogenetic location: 1p36.11.
Variant type: single nucleotide variant.
Coding change: c.1477A>G on transcript NM_017837.4 (MANE Select); coding-DNA position 1477, A replaced by G.
Protein change: p.Thr493Ala; replaces threonine 493 with alanine.
Molecular consequence: missense variant. On other transcripts: non-coding transcript variant (2).
Genome position (GRCh38, 1-based): chr1:26,797,839, A>G. VCF-style: chr1-26797839-A-G. GRCh37 (hg19) VCF-style: chr1-27124330-A-G.
Other names: c.1477A>G, p.Thr493Ala (NM_001202554.2, NM_001374478.1, NM_001374480.1 and 2 more transcripts); c.1096A>G, p.Thr366Ala (NM_001374483.1); c.850A>G, p.Thr284Ala (NM_001374484.1, NM_001374485.1); c.355A>G, p.Thr119Ala (NM_001374486.1); short protein forms T493A, T119A, T284A, T366A.
Identifiers: ClinVar variation 297123 (VCV000297123.9), dbSNP rs1057515548, ClinGen allele CA10609838.